The following is an entry in ClinVar:

ClinVar aggregate classification (germline): Uncertain significance (1 of 4 stars; one submission).

Allele frequency attached by ClinVar (database versions not stated): gnomAD exomes below 0.00001; ExAC 0.00001.
gnomAD v4.1: 3 of 1,614,154 alleles (0.00019%); highest among the groups gnomAD compares: Non-Finnish European, 0.00025%; no homozygotes.

Submission:

Ambry Genetics
Classification: Uncertain significance. Last evaluated: 2022-07-02. Review status: criteria provided, single submitter. Criteria: Ambry Variant Classification Scheme 2023. Collection method: clinical testing. Allele origin: germline.
Comment: The p.E1710K variant (also known as c.5128G>A), located in coding exon 4 of the ALPK2 gene, results from a G to A substitution at nucleotide position 5128. The glutamic acid at codon 1710 is replaced by lysine, an amino acid with similar properties. This amino acid position is conserved. In addition, this alteration is predicted to be tolerated by in silico analysis. Since supporting evidence is limited at this time, the clinical significance of this alteration remains unclear.

NM_052947.4(ALPK2):c.5128G>A (p.Glu1710Lys)

Genes: ALPK2 (alpha kinase 2; minus strand), LOC130062577 (ATAC-STARR-seq lymphoblastoid active region 13389; plus strand). Cytogenetic location: 18q21.31.
Variant type: single nucleotide variant.
Coding change: c.5128G>A on transcript NM_052947.4 (MANE Select); coding-DNA position 5128, G replaced by A.
Protein change: p.Glu1710Lys; replaces glutamic acid 1710 with lysine.
Molecular consequence: missense variant.
Genome position (GRCh38, 1-based): chr18:58,535,059, C>T on the plus strand (G>A on the coding strand, the complement: ALPK2 is on the minus strand). VCF-style: chr18-58535059-C-T. GRCh37 (hg19) VCF-style: chr18-56202291-C-T.
Other names: short protein forms E1710K.
Identifiers: ClinVar variation 1745515 (VCV001745515.2), dbSNP rs758307277, ClinGen allele CA8976574.